The following is an entry in ClinVar:

ClinVar aggregate classification (germline): Likely benign. Review status: criteria provided, multiple submitters, no conflicts (2 of 4 stars). 2 submissions from 2 submitters: Likely benign (2). Last evaluated 2026-03-04.

Conditions:
TTN-related disorder. Also called: TTN-related condition; TTN-related disease; TTN-related disorders.
Autosomal recessive limb-girdle muscular dystrophy type 2J (LGMDR10). Also called: Limb-girdle muscular dystrophy, type 2J; MUSCULAR DYSTROPHY, LIMB-GIRDLE, AUTOSOMAL RECESSIVE 10. Identifiers: Orphanet 140922, MedGen C1837342, MONDO:0012127, OMIM 608807.
Dilated cardiomyopathy 1G (CMD1G). Identifiers: Orphanet 154, MedGen C1858763, MONDO:0011400, OMIM 604145.

Allele frequency attached by ClinVar (database versions not stated): gnomAD 0.00006; TOPMed 0.00009; ExAC 0.00012; 1000 Genomes Project 30x 0.00078; 1000 Genomes Project 0.00100.
gnomAD v4.1: 43 of 1,542,848 alleles (0.0028%); highest among the groups gnomAD compares: East Asian, 0.098%; no homozygotes.

Submissions (2):

PreventionGenetics, part of Exact Sciences
Classification: Likely benign for TTN-related condition. Last evaluated: 2026-03-04. Review status: criteria provided, single submitter. Criteria: ACMG Guidelines, 2015. Collection method: clinical testing. Allele origin: germline.
Comment: This variant is classified as likely benign based on ACMG/AMP sequence variant interpretation guidelines (Richards et al. 2015 PMID: 25741868, with internal and published modifications).

Labcorp Genetics (formerly Invitae), Labcorp
Classification: Likely benign for Dilated cardiomyopathy 1G; Autosomal recessive limb-girdle muscular dystrophy type 2J. Last evaluated: 2025-12-10. Review status: criteria provided, single submitter. Criteria: Invitae Variant Classification Sherloc (09022015). Collection method: clinical testing. Allele origin: germline.

NM_001267550.2(TTN):c.40227T>C (p.Arg13409=)

Gene: TTN (titin; minus strand). Cytogenetic location: 2q31.2.
Variant type: single nucleotide variant.
Coding change: c.40227T>C on transcript NM_001267550.2 (MANE Select); coding-DNA position 40227, T replaced by C.
Protein change: p.Arg13409=; no amino-acid change (arginine 13409 retained).
Molecular consequence: synonymous variant. On other transcripts: intron variant (5).
Genome position (GRCh38, 1-based): chr2:178,646,555, A>G on the plus strand (T>C on the coding strand, the complement: TTN is on the minus strand). VCF-style: chr2-178646555-A-G. GRCh37 (hg19) VCF-style: chr2-179511282-A-G.
Other names: c.13283-4238T>C (NM_003319.4); c.13859-4238T>C (NM_133437.4); c.13658-4238T>C (NM_133432.3); c.32594-525T>C (NM_133378.4); c.35375-525T>C (NM_001256850.1).
Identifiers: ClinVar variation 467120 (VCV000467120.12), dbSNP rs3754951, ClinGen allele CA1996526.
Genomic context (GRCh38, chr2:178,646,555, plus strand): 5'-TATTTCTTCAGGCTGTGGTTCAGGTTCGGGCTCTTCAGGTTTAATATACTTTTCAATTTC[A>G]CGTTCTTTAAAGAATGTTGACAAAGGAGATGAGGTTGCAATGTAAAGTTCTTCAAAAAGA-3'
Protein context (NP_001254479.2, residues 13399-13419): GRKETPPVEE[Arg13409=]EIEKYIKPEE